The following is an entry in ClinVar:

ClinVar aggregate classification (germline): Uncertain significance (1 of 4 stars; one submission).

Conditions:
Citrullinemia type I (CTNL1). Also called: ASS DEFICIENCY; argininosuccinate synthetase deficiency. Identifiers: Orphanet 247525, MedGen C4721769, MONDO:0008988, OMIM 215700.

gnomAD v4.1: 1 of 1,614,136 alleles (0.000062%); highest among the groups gnomAD compares: Non-Finnish European, 0.000085%; no homozygotes.

Submission:

Juno Genomics, Hangzhou Juno Genomics, Inc
Classification: Uncertain significance for Citrullinemia type I. Review status: criteria provided, single submitter. Criteria: ACMG Guidelines, 2015. Collection method: clinical testing. Allele origin: germline. Affected: yes.
Comment: Absent from controls (or at extremely low frequency if recessive) in Genome Aggregation Database, Exome Sequencing Project, 1000 Genomes Project, or Exome Aggregation Consortium.;For recessive disorders, detected in trans with a pathogenic variant.;Patient's phenotype or family history is highly specific for a disease with a single genetic etiology.;Multiple lines of computational evidence support a deleterious effect on the gene or gene product (conservation, evolutionary, splicing impact, etc).

NM_054012.4(ASS1):c.420+5G>A

Gene: ASS1 (argininosuccinate synthase 1; plus strand). Cytogenetic location: 9q34.11.
Variant type: single nucleotide variant.
Coding change: c.420+5G>A on transcript NM_054012.4 (MANE Select); 5 bases into the intron after coding-DNA position 420, G replaced by A.
Molecular consequence: intron variant.
Genome position (GRCh38, 1-based): chr9:130,464,172, G>A. VCF-style: chr9-130464172-G-A. GRCh37 (hg19) VCF-style: chr9-133339559-G-A.
Other names: c.420+5G>A (NM_000050.4).
Identifiers: ClinVar variation 3381968 (VCV003381968.2).